The following is an entry in ClinVar:

ClinVar aggregate classification (germline): Benign. Review status: criteria provided, multiple submitters, no conflicts (2 of 4 stars). 2 submissions from 2 submitters: Benign (2). Last evaluated 2018-01-12.

Conditions:
Pyruvate dehydrogenase E1-alpha deficiency (PDHAD). Also called: Ataxia, intermittent, with pyruvate dehydrogenase, or decarboxylase, deficiency; ATAXIA, INTERMITTENT, WITH PYRUVATE DEHYDROGENASE DEFICIENCY; ATAXIA WITH LACTIC ACIDOSIS I; ATAXIA, INTERMITTENT, WITH ABNORMAL PYRUVATE METABOLISM. Identifiers: Orphanet 79243, MedGen C1839413, MONDO:0010717, OMIM 312170.

Allele frequency attached by ClinVar (database versions not stated): TOPMed 0.24302; 1000 Genomes Project 0.24662; 1000 Genomes Project 30x 0.25494.
gnomAD v4.1: 64,117 of 709,368 alleles (9%); highest among the groups gnomAD compares: African/African-American, 66%; 8,548 homozygotes.

Submissions (2):

Illumina Laboratory Services, Illumina
Classification: Benign for Pyruvate dehydrogenase E1-alpha deficiency. Last evaluated: 2018-01-12. Review status: criteria provided, single submitter. Criteria: ICSL Variant Classification Criteria 13 December 2019. Collection method: clinical testing. Allele origin: germline.
Comment: This variant was observed in the ICSL laboratory as part of a predisposition screen in an ostensibly healthy population. It had not been previously curated by ICSL or reported in the Human Gene Mutation Database (HGMD: prior to June 1st, 2018), and was therefore a candidate for classification through an automated scoring system. Utilizing variant allele frequency, disease prevalence and penetrance estimates, and inheritance mode, an automated score was calculated to assess if this variant is too frequent to cause the disease. Based on the score and internal cut-off values, a variant classified as benign is not then subjected to further curation. The score for this variant resulted in a classification of benign for this disease.

Breakthrough Genomics
Classification: Benign. Review status: criteria provided, single submitter. Criteria: ACMG Guidelines, 2015. Collection method: not provided. Allele origin: germline. Inheritance: X-linked inheritance. Affected: yes.

NM_000284.4(PDHA1):c.*1013C>A

Genes: MAP3K15 (mitogen-activated protein kinase kinase kinase 15; minus strand), PDHA1 (pyruvate dehydrogenase E1 subunit alpha 1; plus strand). Cytogenetic location: Xp22.12.
Variant type: single nucleotide variant.
Coding change: c.*1013C>A on transcript NM_000284.4 (MANE Select); 1013 bases downstream of the stop codon, C replaced by A.
Molecular consequence: 3 prime UTR variant.
Genome position (GRCh38, 1-based): chrX:19,360,666, C>A. VCF-style: chrX-19360666-C-A. GRCh37 (hg19) VCF-style: chrX-19378784-C-A.
Other names: c.*83G>T (NM_001001671.4); c.*1013C>A (NM_001173454.2, NM_001173455.2, NM_001173456.2).
Identifiers: ClinVar variation 914971 (VCV000914971.5), dbSNP rs1042456, ClinGen allele CA327032334.